The following is an entry in ClinVar:

ClinVar aggregate classification (germline): Uncertain significance. Review status: criteria provided, multiple submitters, no conflicts (2 of 4 stars). 2 submissions from 2 submitters: Uncertain significance (2). Last evaluated 2024-09-11.

Conditions:
Spinal muscular atrophy-progressive myoclonic epilepsy syndrome. Also called: MYOCLONUS, HEREDITARY, WITH PROGRESSIVE DISTAL MUSCULAR ATROPHY; Hereditary myoclonus and progressive distal muscular atrophy; Spinal muscular atrophy with progressive myoclonic epilepsy; Spinal Muscular Atrophy with Progressive Myoclonic Epilepsy (SMA-PME). Identifiers: Orphanet 2590, MedGen C1834569, MONDO:0008045, OMIM 159950.

Allele frequency attached by ClinVar (database versions not stated): ESP Exome Variant Server 0.00008.
gnomAD v4.1: 1 of 1,614,180 alleles (0.000062%); highest among the groups gnomAD compares: Non-Finnish European, 0.000085%; no homozygotes.

Submissions (2):

Labcorp Genetics (formerly Invitae), Labcorp
Classification: Uncertain significance. Last evaluated: 2024-09-11. Review status: criteria provided, single submitter. Criteria: Invitae Variant Classification Sherloc (09022015). Collection method: clinical testing. Allele origin: germline.
Comment: This sequence change replaces threonine, which is neutral and polar, with alanine, which is neutral and non-polar, at codon 186 of the ASAH1 protein (p.Thr186Ala). This variant is present in population databases (rs368212646, gnomAD 0.002%). This variant has not been reported in the literature in individuals affected with ASAH1-related conditions. ClinVar contains an entry for this variant (Variation ID: 1031749). Invitae Evidence Modeling of protein sequence and biophysical properties (such as structural, functional, and spatial information, amino acid conservation, physicochemical variation, residue mobility, and thermodynamic stability) indicates that this missense variant is not expected to disrupt ASAH1 protein function with a negative predictive value of 80%. In summary, the available evidence is currently insufficient to determine the role of this variant in disease. Therefore, it has been classified as a Variant of Uncertain Significance.

Baylor Genetics
Classification: Uncertain significance for Spinal muscular atrophy-progressive myoclonic epilepsy syndrome. Last evaluated: 2018-11-30. Review status: criteria provided, single submitter. Criteria: ACMG Guidelines, 2015. Collection method: clinical testing. Allele origin: unknown. Affected: yes.
Comment: This variant was determined to be of uncertain significance according to ACMG Guidelines, 2015 [PMID:25741868].

NM_177924.5(ASAH1):c.556A>G (p.Thr186Ala)

Gene: ASAH1 (N-acylsphingosine amidohydrolase 1; minus strand). Cytogenetic location: 8p22.
Variant type: single nucleotide variant.
Coding change: c.556A>G on transcript NM_177924.5 (MANE Select); coding-DNA position 556, A replaced by G.
Protein change: p.Thr186Ala; replaces threonine 186 with alanine.
Molecular consequence: missense variant.
Genome position (GRCh38, 1-based): chr8:18,062,371, T>C on the plus strand (A>G on the coding strand, the complement: ASAH1 is on the minus strand). VCF-style: chr8-18062371-T-C. GRCh37 (hg19) VCF-style: chr8-17919880-T-C.
Other names: c.538A>G, p.Thr180Ala (NM_001127505.3); c.361A>G, p.Thr121Ala (NM_001363743.2); c.604A>G, p.Thr202Ala (NM_004315.6); short protein forms T180A, T121A, T202A, T186A.
Identifiers: ClinVar variation 1031749 (VCV001031749.4), dbSNP rs368212646, ClinGen allele CA4650784.